The following is an entry in ClinVar:

ClinVar aggregate classification (germline): Conflicting classifications of pathogenicity. Review status: criteria provided, conflicting classifications (1 of 4 stars). 5 submissions from 5 submitters: Uncertain significance (2); Benign (1); Likely benign (2). Last evaluated 2026-09-14.

Conditions:
TTN-related disorder. Also called: TTN-related condition; TTN-related disease; TTN-related disorders.
Cardiovascular phenotype. Identifiers: MedGen CN230736.
Autosomal recessive limb-girdle muscular dystrophy type 2J (LGMDR10). Also called: Limb-girdle muscular dystrophy, type 2J; MUSCULAR DYSTROPHY, LIMB-GIRDLE, AUTOSOMAL RECESSIVE 10. Identifiers: Orphanet 140922, MedGen C1837342, MONDO:0012127, OMIM 608807.
Dilated cardiomyopathy 1G (CMD1G). Identifiers: Orphanet 154, MedGen C1858763, MONDO:0011400, OMIM 604145.

Submissions (7):

Ambry Genetics
Classification: Likely benign for Cardiovascular phenotype. Last evaluated: 2026-09-14. Review status: criteria provided, single submitter. Criteria: Ambry Variant Classification Scheme 2023. Collection method: clinical testing. Allele origin: germline.

PreventionGenetics, part of Exact Sciences
Classification: Uncertain significance for TTN-related condition. Last evaluated: 2025-03-25. Review status: criteria provided, single submitter. Criteria: ACMG Guidelines, 2015. Collection method: clinical testing. Allele origin: germline.
Comment: The TTN c.48161-4delT variant is predicted to result in an intronic deletion. To our knowledge, this variant has not been reported in the literature. This variant is reported in 0.00091% of alleles in individuals of European (Non-Finnish) descent in gnomAD. Although we suspect that this variant may be benign, at this time, the clinical significance of this variant is uncertain due to the absence of conclusive functional and genetic evidence.

Labcorp Genetics (formerly Invitae), Labcorp
Classification: Benign for Dilated cardiomyopathy 1G; Autosomal recessive limb-girdle muscular dystrophy type 2J. Last evaluated: 2023-02-14. Review status: criteria provided, single submitter. Criteria: Invitae Variant Classification Sherloc (09022015). Collection method: clinical testing. Allele origin: germline.

Athena Diagnostics
Classification: Uncertain significance. Last evaluated: 2017-09-15. Review status: criteria provided, single submitter. Criteria: Athena Diagnostics Criteria. Collection method: clinical testing. Allele origin: germline.

GeneDx
Classification: Likely benign. Last evaluated: 2017-07-10. Review status: criteria provided, single submitter. Criteria: GeneDx Variant Classification (06012015). Collection method: clinical testing. Allele origin: germline. Affected: yes.
Comment: This variant is considered likely benign or benign based on one or more of the following criteria: it is a conservative change, it occurs at a poorly conserved position in the protein, it is predicted to be benign by multiple in silico algorithms, and/or has population frequency not consistent with disease.

Dr. Peter K. Rogan Lab, Western University
No classification provided (evidence only). Condition: Familial cancer of breast. Review status: no classification provided. Collection method: in vitro. Allele origin: not applicable. Functional consequence: retained intron. Not counted in ClinVar's aggregate classification.

Dr. Peter K. Rogan Lab, Western University
No classification provided (evidence only). Condition: Colon adenocarcinoma. Review status: no classification provided. Collection method: in vitro. Allele origin: not applicable. Functional consequence: retained intron. Not counted in ClinVar's aggregate classification.

NM_001267550.2(TTN):c.48161-4del

Genes: TTN (titin; minus strand), TTN-AS1 (TTN antisense RNA 1; plus strand). Cytogenetic location: 2q31.2.
Variant type: Deletion.
Coding change: c.48161-4del on transcript NM_001267550.2 (MANE Select); 4 bases into the intron before coding-DNA position 48161, one base deleted (T; older notation c.48161-4delT).
Molecular consequence: intron variant.
Genome position (GRCh38, 1-based): chr2:178,616,634, A deleted on the plus strand (T on the coding strand, the reverse complement: TTN is on the minus strand); the first of 8 consecutive A bases (chr2:178,616,634-178,616,641); deleting any one gives the same sequence. VCF-style (leftmost placement, unchanged base first): chr2-178616633-GA-G. GRCh37 (hg19) VCF-style: chr2-179481360-GA-G.
Other names: NC_000002.11:g.179481368del; c.48161-4del (LRG_391t1); c.48161-11del (NM_001267550.2); c.20966-4del (NM_003319.4); c.21542-4del (NM_133437.4); c.21341-4del (NM_133432.3); c.40457-4del (NM_133378.4); c.43238-4del (NM_001256850.1); and 3 more.
Identifiers: ClinVar variation 448800 (VCV000448800.14), dbSNP rs730880371, ClinGen allele CA1994898.